The following is an entry in ClinVar:

ClinVar aggregate classification (germline): Uncertain significance. Review status: criteria provided, multiple submitters, no conflicts (2 of 4 stars). 4 submissions from 4 submitters: Uncertain significance (4). Last evaluated 2025-09-05.

Conditions:
Cardiovascular phenotype. Identifiers: MedGen CN230736.
Long QT syndrome (LQTS). Identifiers: MedGen C0023976, MeSH D008133, MONDO:0002442. Disease mechanism: loss of function. Inheritance: Various modes of inheritance.

Allele frequency attached by ClinVar (database versions not stated): ESP Exome Variant Server 0.00015; ExAC 0.00001; gnomAD 0.00002; gnomAD exomes 0.00002; TOPMed 0.00003.
gnomAD v4.1: 42 of 1,613,760 alleles (0.0026%); highest among the groups gnomAD compares: Non-Finnish European, 0.0033%; no homozygotes.

Submissions (4):

Labcorp Genetics (formerly Invitae), Labcorp
Classification: Uncertain significance for Long QT syndrome. Last evaluated: 2025-09-05. Review status: criteria provided, single submitter. Criteria: Invitae Variant Classification Sherloc (09022015). Collection method: clinical testing. Allele origin: germline.
Comment: This sequence change replaces arginine, which is basic and polar, with cysteine, which is neutral and slightly polar, at codon 1193 of the ANK2 protein (p.Arg1193Cys). This variant is present in population databases (rs148287474, gnomAD 0.006%). This variant has not been reported in the literature in individuals affected with ANK2-related conditions. ClinVar contains an entry for this variant (Variation ID: 190601). Invitae Evidence Modeling of protein sequence and biophysical properties (such as structural, functional, and spatial information, amino acid conservation, physicochemical variation, residue mobility, and thermodynamic stability) indicates that this missense variant is not expected to disrupt ANK2 protein function with a negative predictive value of 80%. In summary, the available evidence is currently insufficient to determine the role of this variant in disease. Therefore, it has been classified as a Variant of Uncertain Significance.

Ambry Genetics
Classification: Uncertain significance for Cardiovascular phenotype. Last evaluated: 2024-07-19. Review status: criteria provided, single submitter. Criteria: Ambry Variant Classification Scheme 2023. Collection method: clinical testing. Allele origin: germline.
Comment: The p.R1193C variant (also known as c.3577C>T), located in coding exon 30 of the ANK2 gene, results from a C to T substitution at nucleotide position 3577. The arginine at codon 1193 is replaced by cysteine, an amino acid with highly dissimilar properties. This amino acid position is highly conserved in available vertebrate species. In addition, this alteration is predicted to be deleterious by in silico analysis. Based on the available evidence, the clinical significance of this variant remains unclear.

GeneDx
Classification: Uncertain significance. Last evaluated: 2023-05-03. Review status: criteria provided, single submitter. Criteria: GeneDx Variant Classification Process June 2021. Collection method: clinical testing. Allele origin: germline. Affected: yes.
Comment: Not observed at significant frequency in large population cohorts (gnomAD); In silico analysis supports that this missense variant has a deleterious effect on protein structure/function; Has not been previously published as pathogenic or benign to our knowledge

AiLife Diagnostics
Classification: Uncertain significance. Last evaluated: 2021-09-29. Review status: criteria provided, single submitter. Criteria: ACMG Guidelines, 2015. Collection method: clinical testing. Allele origin: germline. Affected: yes. Observed: 2 variant alleles.

NM_001148.6(ANK2):c.3577C>T (p.Arg1193Cys)

Gene: ANK2 (ankyrin 2; plus strand). Cytogenetic location: 4q26.
Variant type: single nucleotide variant.
Coding change: c.3577C>T on transcript NM_001148.6 (MANE Select); coding-DNA position 3577, C replaced by T.
Protein change: p.Arg1193Cys; replaces arginine 1193 with cysteine.
Molecular consequence: missense variant. On other transcripts: 5 prime UTR variant (2).
Genome position (GRCh38, 1-based): chr4:113,336,043, C>T. VCF-style: chr4-113336043-C-T. GRCh37 (hg19) VCF-style: chr4-114257199-C-T.
Other names: p.R1193C:CGC>TGC; c.3550C>T, p.Arg1184Cys (NM_001127493.3); c.3589C>T, p.Arg1197Cys (NM_001354225.2); c.3478C>T, p.Arg1160Cys (NM_001354228.2, NM_001354258.2); c.3556C>T, p.Arg1186Cys (NM_001354230.2); c.3619C>T, p.Arg1207Cys (NM_001354231.2, NM_001354242.2); c.3613C>T, p.Arg1205Cys (NM_001354232.2); c.3574C>T, p.Arg1192Cys (NM_001354235.2, NM_001354246.2, NM_001354265.2); and 32 more; short protein forms R1184C, R1193C, R1093C, R1127C, R1160C, R1192C, R369C, R376C.
Identifiers: ClinVar variation 190601 (VCV000190601.9), dbSNP rs148287474, ClinGen allele CA301051.